The following is an entry in ClinVar:

ClinVar aggregate classification (germline): Conflicting classifications of pathogenicity. Review status: criteria provided, conflicting classifications (1 of 4 stars). 3 submissions from 3 submitters: Uncertain significance (1); Benign (1). 1 of the submissions does not count toward it. Last evaluated 2023-11-12.

Conditions:
Rubinstein-Taybi syndrome (RSTS). Identifiers: Orphanet 783, MedGen C0035934, MONDO:0019188.
CREBBP-related disorder. Also called: CREBBP-related condition; CREBBP-related disorders.

Allele frequency attached by ClinVar (database versions not stated): gnomAD 0.00003; TOPMed 0.00003; ExAC 0.00009.
gnomAD v4.1: 43 of 1,528,576 alleles (0.0028%); highest among the groups gnomAD compares: East Asian, 0.0049%; no homozygotes.

Submissions (3):

Labcorp Genetics (formerly Invitae), Labcorp
Classification: Benign for Rubinstein-Taybi syndrome. Last evaluated: 2023-11-12. Review status: criteria provided, single submitter. Criteria: Invitae Variant Classification Sherloc (09022015). Collection method: clinical testing. Allele origin: germline.

CeGaT Center for Human Genetics Tuebingen
Classification: Uncertain significance. Last evaluated: 2022-10-01. Review status: criteria provided, single submitter. Criteria: CeGaT Center For Human Genetics Tuebingen Variant Classification Criteria Version 2. Collection method: clinical testing. Allele origin: germline. Affected: yes. Observed: 1 variant allele.
Comment: CREBBP: PP2, BP4

PreventionGenetics, part of Exact Sciences
Classification: Uncertain significance for CREBBP-related condition. Last evaluated: 2024-03-19. Review status: no assertion criteria provided. Collection method: clinical testing. Allele origin: germline. Not counted in ClinVar's aggregate classification.
Comment: The CREBBP c.5828C>T variant is predicted to result in the amino acid substitution p.Pro1943Leu. To our knowledge, this variant has not been reported in the literature. This variant is reported in 0.0081% of alleles in individuals of East Asian descent in gnomAD. At this time, the clinical significance of this variant is uncertain due to the absence of conclusive functional and genetic evidence.

NM_004380.3(CREBBP):c.5828C>T (p.Pro1943Leu)

Gene: CREBBP (CREB binding lysine acetyltransferase; minus strand). Cytogenetic location: 16p13.3.
Variant type: single nucleotide variant.
Coding change: c.5828C>T on transcript NM_004380.3 (MANE Select); coding-DNA position 5828, C replaced by T.
Protein change: p.Pro1943Leu; replaces proline 1943 with leucine.
Molecular consequence: missense variant.
Genome position (GRCh38, 1-based): chr16:3,729,219, G>A on the plus strand (C>T on the coding strand, the complement: CREBBP is on the minus strand). VCF-style: chr16-3729219-G-A. GRCh37 (hg19) VCF-style: chr16-3779220-G-A.
Other names: c.5828C>T (NM_004380.2); c.5714C>T, p.Pro1905Leu (NM_001079846.1); short protein forms P1905L, P1943L.
Identifiers: ClinVar variation 1879325 (VCV001879325.32), dbSNP rs780545388, ClinGen allele CA7869242.